The following is an entry in ClinVar:

ClinVar aggregate classification (germline): Uncertain significance. Review status: criteria provided, multiple submitters, no conflicts (2 of 4 stars). 2 submissions from 2 submitters: Uncertain significance (2). Last evaluated 2025-05-09.

Conditions:
DYRK1B-related disorder. Also called: DYRK1B-related condition.

Allele frequency attached by ClinVar (database versions not stated): TOPMed 0.00003; gnomAD 0.00005; ExAC 0.00008.
gnomAD v4.1: 63 of 1,559,522 alleles (0.004%); highest among the groups gnomAD compares: Middle Eastern, 0.017%; no homozygotes.

Submissions (2):

PreventionGenetics, part of Exact Sciences
Classification: Uncertain significance for DYRK1B-related condition. Last evaluated: 2025-05-09. Review status: criteria provided, single submitter. Criteria: ACMG Guidelines, 2015. Collection method: clinical testing. Allele origin: germline.
Comment: The DYRK1B c.1301C>T variant is predicted to result in the amino acid substitution p.Thr434Met. This variant has been reported in an individual with a dyslipidemia (Table S4, Dron et al. 2020. PubMed ID: 32041611). This variant is reported in 0.013% of alleles in individuals of South Asian descent in gnomAD. At this time, the clinical significance of this variant is uncertain due to the absence of conclusive functional and genetic evidence.

Labcorp Genetics (formerly Invitae), Labcorp
Classification: Uncertain significance. Last evaluated: 2024-01-15. Review status: criteria provided, single submitter. Criteria: Invitae Variant Classification Sherloc (09022015). Collection method: clinical testing. Allele origin: germline.
Comment: This sequence change replaces threonine, which is neutral and polar, with methionine, which is neutral and non-polar, at codon 434 of the DYRK1B protein (p.Thr434Met). The frequency data for this variant in the population databases is considered unreliable, as metrics indicate poor data quality at this position in the gnomAD database. This missense change has been observed in individual(s) with dyslipidemia (PMID: 32041611). ClinVar contains an entry for this variant (Variation ID: 2635726). Advanced modeling of protein sequence and biophysical properties (such as structural, functional, and spatial information, amino acid conservation, physicochemical variation, residue mobility, and thermodynamic stability) performed at Invitae indicates that this missense variant is not expected to disrupt DYRK1B protein function with a negative predictive value of 80%. In summary, the available evidence is currently insufficient to determine the role of this variant in disease. Therefore, it has been classified as a Variant of Uncertain Significance.

Literature cited by the submitters: PubMed 32041611 (cited by Labcorp Genetics (formerly Invitae), Labcorp).

NM_004714.3(DYRK1B):c.1301C>T (p.Thr434Met)

Gene: DYRK1B (dual specificity tyrosine phosphorylation regulated kinase 1B; minus strand). Cytogenetic location: 19q13.2.
Variant type: single nucleotide variant.
Coding change: c.1301C>T on transcript NM_004714.3 (MANE Select); coding-DNA position 1301, C replaced by T.
Protein change: p.Thr434Met; replaces threonine 434 with methionine.
Molecular consequence: missense variant.
Genome position (GRCh38, 1-based): chr19:39,826,782, G>A on the plus strand (C>T on the coding strand, the complement: DYRK1B is on the minus strand). VCF-style: chr19-39826782-G-A. GRCh37 (hg19) VCF-style: chr19-40317422-G-A.
Other names: c.1181C>T, p.Thr394Met (NM_006483.3); c.1217C>T, p.Thr406Met (NM_006484.3); short protein forms T394M, T406M, T434M.
Identifiers: ClinVar variation 2635726 (VCV002635726.7), dbSNP rs749209600, ClinGen allele CA9434093.
Genomic context (GRCh38, chr19:39,826,782, plus strand): 5'-GGCGCGGGCGAGGTGGAGGCACTGCTGCCTGCCGGGCCCGTGTTGGTGGCCTCGTCGGCC[G>A]TGCGGCGGAAGAAGCCGTGCTGCAGAGCCCCCAGGGGGCTGATGCGGGCGGCGGGCTCAT-3'
Protein context (NP_004705.1, residues 424-444): GALQHGFFRR[Thr434Met]ADEATNTGPA